The following is an entry in ClinVar:

NM_003108.4(SOX11):c.633C>T (p.Gly211=)

Gene: SOX11 (SRY-box transcription factor 11; plus strand). Cytogenetic location: 2p25.2.
Variant type: single nucleotide variant.
Coding change: c.633C>T on transcript NM_003108.4 (MANE Select); coding-DNA position 633, C replaced by T.
Protein change: p.Gly211=; no amino-acid change (glycine 211 retained).
Molecular consequence: synonymous variant.
Genome position (GRCh38, 1-based): chr2:5,693,354, C>T. VCF-style: chr2-5693354-C-T. GRCh37 (hg19) VCF-style: chr2-5833486-C-T.
Other names: c.633C>T (NM_003108.3).
Identifiers: ClinVar variation 1596713 (VCV001596713.10), dbSNP rs533417666, ClinGen allele CA1517878.

ClinVar aggregate classification (germline): Benign. Review status: criteria provided, multiple submitters, no conflicts (2 of 4 stars). 3 submissions from 3 submitters: Benign (2). 1 of the submissions does not count toward it. Last evaluated 2025-10-17.

Conditions:
SOX11-related disorder. Also called: SOX11-related condition.

Allele frequency attached by ClinVar (database versions not stated): 1000 Genomes Project 0.00060; 1000 Genomes Project 30x 0.00078; ExAC 0.00014; TOPMed 0.00064.
gnomAD v4.1: 183 of 1,589,572 alleles (0.012%); highest among the groups gnomAD compares: African/African-American, 0.21%; no homozygotes.

Submissions (3):

Labcorp Genetics (formerly Invitae), Labcorp
Classification: Benign. Last evaluated: 2025-10-17. Review status: criteria provided, single submitter. Criteria: Invitae Variant Classification Sherloc (09022015). Collection method: clinical testing. Allele origin: germline.

Breakthrough Genomics
Classification: Benign. Review status: criteria provided, single submitter. Criteria: ACMG Guidelines, 2015. Collection method: not provided. Allele origin: germline. Inheritance: Autosomal dominant inheritance. Affected: yes.

PreventionGenetics, part of Exact Sciences
Classification: Likely benign for SOX11-related condition. Last evaluated: 2019-03-07. Review status: no assertion criteria provided. Collection method: clinical testing. Allele origin: germline. Not counted in ClinVar's aggregate classification.
Comment: This variant is classified as likely benign based on ACMG/AMP sequence variant interpretation guidelines (Richards et al. 2015 PMID: 25741868, with internal and published modifications).